The following is an entry in ClinVar:

ClinVar aggregate classification (germline): Uncertain significance (1 of 4 stars; one submission).

Conditions:
Hereditary cancer-predisposing syndrome. Also called: Neoplastic Syndromes, Hereditary; Tumor predisposition; Hereditary Cancer Syndrome; Hereditary neoplastic syndrome. Identifiers: Orphanet 140162, MedGen C0027672, MeSH D009386, MONDO:0015356.

gnomAD v4.1: 1 of 1,614,066 alleles (0.000062%); highest among the groups gnomAD compares: Non-Finnish European, 0.000085%; no homozygotes.

Submission:

Ambry Genetics
Classification: Uncertain significance for Hereditary cancer-predisposing syndrome. Last evaluated: 2024-08-22. Review status: criteria provided, single submitter. Criteria: Ambry Variant Classification Scheme 2023. Collection method: clinical testing. Allele origin: germline.
Comment: The p.I1121S variant (also known as c.3362T>G), located in coding exon 15 of the APC gene, results from a T to G substitution at nucleotide position 3362. The isoleucine at codon 1121 is replaced by serine, an amino acid with dissimilar properties. This amino acid position is conserved. In addition, in silico predictors for this gene do not accurately predict pathogenicity. Based on the available evidence, the clinical significance of this variant remains unclear.

NM_000038.6(APC):c.3362T>G (p.Ile1121Ser)

Gene: APC (APC regulator of Wnt signaling pathway; plus strand). Cytogenetic location: 5q22.2.
Variant type: single nucleotide variant.
Coding change: c.3362T>G on transcript NM_000038.6 (MANE Select); coding-DNA position 3362, T replaced by G.
Protein change: p.Ile1121Ser; replaces isoleucine 1121 with serine.
Molecular consequence: missense variant. On other transcripts: non-coding transcript variant (2).
Genome position (GRCh38, 1-based): chr5:112,838,956, T>G. VCF-style: chr5-112838956-T-G. GRCh37 (hg19) VCF-style: chr5-112174653-T-G.
Other names: c.3362T>G, p.Ile1121Ser (NM_001127510.3, NM_001354895.2, NM_001407450.1); c.3308T>G, p.Ile1103Ser (NM_001127511.3); c.3416T>G, p.Ile1139Ser (NM_001354896.2, NM_001407447.1, NM_001407448.1 and 1 more transcripts); c.3392T>G, p.Ile1131Ser (NM_001354897.2); c.3287T>G, p.Ile1096Ser (NM_001354898.2); c.3278T>G, p.Ile1093Ser (NM_001354899.2); c.3239T>G, p.Ile1080Ser (NM_001354900.2); c.3185T>G, p.Ile1062Ser (NM_001354901.2, NM_001407453.1); and 11 more; short protein forms I1038S, I1080S, I1096S, I737S, I992S, I1062S, I1093S, I1103S.
Identifiers: ClinVar variation 3410546 (VCV003410546.1).
Genomic context (GRCh38, chr5:112,838,956, plus strand): 5'-CATACAGGTCACGGGGAGCCAATGGTTCAGAAACAAATCGAGTGGGTTCTAATCATGGAA[T>G]TAATCAAAATGTAAGCCAGTCTTTGTGTCAAGAAGATGACTATGAAGATGATAAGCCTAC-3'
Protein context (NP_000029.2, residues 1111-1131): ETNRVGSNHG[Ile1121Ser]NQNVSQSLCQ